The following is an entry in ClinVar:

NM_001352754.2(ARMC9):c.2269G>A (p.Ala757Thr)

Gene: ARMC9 (armadillo repeat containing 9; plus strand). Cytogenetic location: 2q37.1.
Variant type: single nucleotide variant.
Coding change: c.2269G>A on transcript NM_001352754.2 (MANE Select); coding-DNA position 2269, G replaced by A.
Protein change: p.Ala757Thr; replaces alanine 757 with threonine.
Molecular consequence: missense variant.
Genome position (GRCh38, 1-based): chr2:231,369,960, G>A. VCF-style: chr2-231369960-G-A. GRCh37 (hg19) VCF-style: chr2-232234671-G-A.
Other names: c.2269G>A, p.Ala757Thr (NM_001271466.4); short protein forms A757T.
Identifiers: ClinVar variation 1979946 (VCV001979946.4), dbSNP rs1239759131, ClinGen allele CA350959243.

ClinVar aggregate classification (germline): Uncertain significance (1 of 4 stars; one submission).

Allele frequency attached by ClinVar (database versions not stated): gnomAD 0.00001; gnomAD exomes 0.00001; TOPMed 0.00001.
gnomAD v4.1: 10 of 1,515,066 alleles (0.00066%); highest among the groups gnomAD compares: Non-Finnish European, 0.00088%; no homozygotes.

Submission:

Labcorp Genetics (formerly Invitae), Labcorp
Classification: Uncertain significance. Last evaluated: 2022-05-03. Review status: criteria provided, single submitter. Criteria: Invitae Variant Classification Sherloc (09022015). Collection method: clinical testing. Allele origin: germline.
Comment: This sequence change replaces alanine, which is neutral and non-polar, with threonine, which is neutral and polar, at codon 757 of the ARMC9 protein (p.Ala757Thr). This variant is present in population databases (no rsID available, gnomAD 0.002%). This variant has not been reported in the literature in individuals affected with ARMC9-related conditions. Experimental studies and prediction algorithms are not available or were not evaluated, and the functional significance of this variant is currently unknown. In summary, the available evidence is currently insufficient to determine the role of this variant in disease. Therefore, it has been classified as a Variant of Uncertain Significance.